The following is an entry in ClinVar:

NM_001844.5(COL2A1):c.4335G>C (p.Trp1445Cys)

Gene: COL2A1 (collagen type II alpha 1 chain; minus strand). Cytogenetic location: 12q13.11.
Variant type: single nucleotide variant.
Coding change: c.4335G>C on transcript NM_001844.5 (MANE Select); coding-DNA position 4335, G replaced by C.
Protein change: p.Trp1445Cys; replaces tryptophan 1445 with cysteine.
Molecular consequence: missense variant.
Genome position (GRCh38, 1-based): chr12:47,973,536, C>G on the plus strand (G>C on the coding strand, the complement: COL2A1 is on the minus strand). VCF-style: chr12-47973536-C-G. GRCh37 (hg19) VCF-style: chr12-48367319-C-G.
Other names: c.4128G>C, p.Trp1376Cys (NM_033150.3); short protein forms W1376C, W1445C.
Identifiers: ClinVar variation 3378286 (VCV003378286.1).

ClinVar aggregate classification (germline): Uncertain significance (1 of 4 stars; one submission).

Submission:

GeneDx
Classification: Uncertain significance. Last evaluated: 2024-05-14. Review status: criteria provided, single submitter. Criteria: GeneDx Variant Classification Process June 2021. Collection method: clinical testing. Allele origin: germline. Affected: yes.
Comment: Not observed at significant frequency in large population cohorts (gnomAD); In silico analysis supports that this missense variant has a deleterious effect on protein structure/function; Has not been previously published as pathogenic or benign to our knowledge; Not located in the triple helical region, where the majority of pathogenic missense variants occur (HGMD)